The following is an entry in ClinVar:

ClinVar aggregate classification (germline): Likely benign (0 of 4 stars; one submission).

Conditions:
BMS1-related disorder. Also called: BMS1-related condition.

Allele frequency attached by ClinVar (database versions not stated): ExAC 0.00161; 1000 Genomes Project 0.00180; 1000 Genomes Project 30x 0.00297.

Submission:

PreventionGenetics, part of Exact Sciences
Classification: Likely benign for BMS1-related condition. Last evaluated: 2019-10-31. Review status: no assertion criteria provided. Collection method: clinical testing. Allele origin: germline.
Comment: This variant is classified as likely benign based on ACMG/AMP sequence variant interpretation guidelines (Richards et al. 2015 PMID: 25741868, with internal and published modifications).

NM_014753.4(BMS1):c.779+7T>A

Gene: BMS1 (BMS1 ribosome biogenesis factor; plus strand). Cytogenetic location: 10q11.21.
Variant type: single nucleotide variant.
Coding change: c.779+7T>A on transcript NM_014753.4 (MANE Select); 7 bases into the intron after coding-DNA position 779, T replaced by A.
Molecular consequence: intron variant.
Genome position (GRCh38, 1-based): chr10:42,791,776, T>A. VCF-style: chr10-42791776-T-A. GRCh37 (hg19) VCF-style: chr10-43287224-T-A.
Identifiers: ClinVar variation 3043978 (VCV003043978.2), dbSNP rs553896058, ClinGen allele CA5475515.